The following is an entry in ClinVar:

NM_001378414.1(HDAC4):c.2783C>T (p.Ala928Val)

Gene: HDAC4 (histone deacetylase 4; minus strand). Cytogenetic location: 2q37.3.
Variant type: single nucleotide variant.
Coding change: c.2783C>T on transcript NM_001378414.1 (MANE Select); coding-DNA position 2783, C replaced by T.
Protein change: p.Ala928Val; replaces alanine 928 with valine.
Molecular consequence: missense variant.
Genome position (GRCh38, 1-based): chr2:239,068,575, G>A on the plus strand (C>T on the coding strand, the complement: HDAC4 is on the minus strand). VCF-style: chr2-239068575-G-A. GRCh37 (hg19) VCF-style: chr2-239990271-G-A.
Other names: c.2783C>T, p.Ala928Val (NM_001378415.1); c.2768C>T, p.Ala923Val (NM_001378416.1, NM_001378417.1, NM_006037.4); short protein forms A923V, A928V.
Identifiers: ClinVar variation 2431727 (VCV002431727.2), dbSNP rs921946767, ClinGen allele CA67987690.
Genomic context (GRCh38, chr2:239,068,575, plus strand): 5'-AGAGGGGTGGGGTGGCCCTCCACGGCATCGAAGCCTGATGACACCAGCACCACATCCGGG[G>A]CAAACTCGCTGGCGATCGGCATGACCACCGTTCTGCAAAGGACAGGAGAAGGCGTTACTG-3'
Protein context (NP_001365343.1, residues 918-938): TVVMPIASEF[Ala928Val]PDVVLVSSGF

ClinVar aggregate classification (germline): Uncertain significance (1 of 4 stars; one submission).

Conditions:
Neurodevelopmental disorder with central hypotonia and dysmorphic facies (NEDCHF). Identifiers: MedGen C5676944, MONDO:0859232, OMIM 619797.

Allele frequency attached by ClinVar (database versions not stated): gnomAD 0.00001.
gnomAD v4.1: 1 of 1,613,942 alleles (0.000062%); highest among the groups gnomAD compares: African/African-American, 0.0013%; no homozygotes.

Submission:

Laboratorio de Genetica e Diagnostico Molecular, Hospital Israelita Albert Einstein
Classification: Uncertain significance for Neurodevelopmental disorder with central hypotonia and dysmorphic facies. Last evaluated: 2022-09-02. Review status: criteria provided, single submitter. Criteria: ACMG Guidelines, 2015. Collection method: clinical testing. Allele origin: germline. Affected: yes.
Comment: ACMG classification criteria: PM2 supporting